The following is an entry in ClinVar:

ClinVar aggregate classification (germline): Likely benign (0 of 4 stars; one submission).

Conditions:
BDNF-related disorder. Also called: BDNF-related condition.

gnomAD v4.1: 2 of 1,613,570 alleles (0.00012%); highest among the groups gnomAD compares: Admixed American, 0.0033%; no homozygotes.

Submission:

PreventionGenetics, part of Exact Sciences
Classification: Likely benign for BDNF-related condition. Last evaluated: 2022-05-19. Review status: no assertion criteria provided. Collection method: clinical testing. Allele origin: germline.
Comment: This variant is classified as likely benign based on ACMG/AMP sequence variant interpretation guidelines (Richards et al. 2015 PMID: 25741868, with internal and published modifications).

NM_001709.5(BDNF):c.735G>A (p.Arg245=)

Genes: BDNF (brain derived neurotrophic factor; minus strand), BDNF-AS (BDNF antisense RNA; plus strand). Cytogenetic location: 11p14.1.
Variant type: single nucleotide variant.
Coding change: c.735G>A on transcript NM_001709.5 (MANE Select); coding-DNA position 735, G replaced by A.
Protein change: p.Arg245=; no amino-acid change (arginine 245 retained).
Molecular consequence: synonymous variant.
Genome position (GRCh38, 1-based): chr11:27,657,830, C>T on the plus strand (G>A on the coding strand, the complement: BDNF is on the minus strand). VCF-style: chr11-27657830-C-T. GRCh37 (hg19) VCF-style: chr11-27679377-C-T.
Other names: c.735G>A, p.Arg245= (NM_001143805.1, NM_001143806.1, NM_001143807.2 and 9 more transcripts); c.822G>A, p.Arg274= (NM_001143809.2); c.981G>A, p.Arg327= (NM_001143810.2); c.759G>A, p.Arg253= (NM_170731.5); c.780G>A, p.Arg260= (NM_170734.4).
Identifiers: ClinVar variation 3353378 (VCV003353378.1).